The following is an entry in ClinVar:

ClinVar aggregate classification (germline): Benign. Review status: criteria provided, multiple submitters, no conflicts (2 of 4 stars). 4 submissions from 4 submitters: Benign (4). Last evaluated 2024-01-24.

Conditions:
Vici syndrome (VICIS). Identifiers: Orphanet 1493, MedGen C1855772, MONDO:0009452, OMIM 242840.

Allele frequency attached by ClinVar (database versions not stated): gnomAD exomes 0.16706 and 0.22255; ESP Exome Variant Server 0.17882; gnomAD 0.21003 and 0.21389; ExAC 0.22027; TOPMed 0.22113; 1000 Genomes Project 30x 0.26968; 1000 Genomes Project 0.27057.
gnomAD v4.1: 270,829 of 1,577,280 alleles (17%); highest among the groups gnomAD compares: Admixed American, 38%; 27,110 homozygotes.

Submissions (4):

Unidad de Genómica Garrahan, Hospital de Pediatría Garrahan
Classification: Benign. Last evaluated: 2024-01-24. Review status: criteria provided, single submitter. Criteria: ACMG Guidelines, 2015. Collection method: clinical testing. Allele origin: germline. Affected: no. Observed: 46 variant alleles.
Comment: This variant is classified as Benign based on local population frequency. This variant was detected in 48% of patients studied by a panel of primary immunodeficiencies. Number of patients: 46. Only high quality variants are reported.

Genome-Nilou Lab
Classification: Benign for Vici syndrome. Last evaluated: 2021-07-30. Review status: criteria provided, single submitter. Criteria: ACMG Guidelines, 2015. Collection method: clinical testing. Allele origin: germline. Affected: no.

GeneDx
Classification: Benign. Last evaluated: 2018-07-27. Review status: criteria provided, single submitter. Criteria: GeneDx Variant Classification Process June 2021. Collection method: clinical testing. Allele origin: germline. Affected: yes.

Breakthrough Genomics
Classification: Benign. Review status: criteria provided, single submitter. Criteria: ACMG Guidelines, 2015. Collection method: not provided. Allele origin: germline. Inheritance: Autosomal recessive inheritance. Affected: yes.

NM_020964.3(EPG5):c.4646+35T>C

Gene: EPG5 (ectopic P-granules 5 autophagy tethering factor; minus strand). Cytogenetic location: 18q21.1.
Variant type: single nucleotide variant.
Coding change: c.4646+35T>C on transcript NM_020964.3 (MANE Select); 35 bases into the intron after coding-DNA position 4646, T replaced by C.
Molecular consequence: intron variant.
Genome position (GRCh38, 1-based): chr18:45,900,961, A>G on the plus strand (T>C on the coding strand, the complement: EPG5 is on the minus strand). VCF-style: chr18-45900961-A-G. GRCh37 (hg19) VCF-style: chr18-43480926-A-G.
Identifiers: ClinVar variation 1255387 (VCV001255387.7), dbSNP rs3826634, ClinGen allele CA8948793.
Genomic context (GRCh38, chr18:45,900,961, plus strand): 5'-AAATGCTGACAAGGAAGCCACTCCAGGTAGCAAATTATCCAGGCTGTCAAAGCCACCAAC[A>G]TGGGAACATGATCCGTGAGGCTGCATGGTCTTACCTGGCCTGCTGTTGCAACAGATTCAG-3'